The following is an entry in ClinVar:

NM_000051.4(ATM):c.745A>G (p.Ile249Val)

Gene: ATM (ATM serine/threonine kinase; plus strand). Cytogenetic location: 11q22.3.
Variant type: single nucleotide variant.
Coding change: c.745A>G on transcript NM_000051.4 (MANE Select); coding-DNA position 745, A replaced by G.
Protein change: p.Ile249Val; replaces isoleucine 249 with valine.
Molecular consequence: missense variant.
Genome position (GRCh38, 1-based): chr11:108,244,870, A>G. VCF-style: chr11-108244870-A-G. GRCh37 (hg19) VCF-style: chr11-108115597-A-G.
Other names: c.745A>G, p.Ile249Val (NM_001351834.2); short protein forms I249V.
Identifiers: ClinVar variation 407618 (VCV000407618.9), dbSNP rs1060501636, ClinGen allele CA16613303.

ClinVar aggregate classification (germline): Uncertain significance. Review status: criteria provided, multiple submitters, no conflicts (2 of 4 stars). 2 submissions from 2 submitters: Uncertain significance (2). Last evaluated 2023-07-21.

Conditions:
Hereditary cancer-predisposing syndrome. Also called: Hereditary neoplastic syndrome; Neoplastic Syndromes, Hereditary; Tumor predisposition; Hereditary Cancer Syndrome. Identifiers: Orphanet 140162, MedGen C0027672, MeSH D009386, MONDO:0015356.
Ataxia-telangiectasia syndrome (AT). Also called: Ataxia telangiectasia (A-T); LOUIS-BAR SYNDROME; Cerebello-oculocutaneous telangiectasia; Immunodeficiency with ataxia telangiectasia; Ataxia-telangiectasia, complementation group D; AT, COMPLEMENTATION GROUP C. Identifiers: Orphanet 100, MedGen C0004135, MONDO:0008840, OMIM 208900.

Allele frequency attached by ClinVar (database versions not stated): gnomAD exomes below 0.00001.
gnomAD v4.1: 1 of 1,613,862 alleles (0.000062%); highest among the groups gnomAD compares: East Asian, 0.0022%; no homozygotes.

Submissions (2):

Ambry Genetics
Classification: Uncertain significance for Hereditary cancer-predisposing syndrome. Last evaluated: 2023-07-21. Review status: criteria provided, single submitter. Criteria: Ambry Variant Classification Scheme 2023. Collection method: clinical testing. Allele origin: germline.
Comment: The p.I249V variant (also known as c.745A>G), located in coding exon 6 of the ATM gene, results from an A to G substitution at nucleotide position 745. The isoleucine at codon 249 is replaced by valine, an amino acid with highly similar properties. This amino acid position is conserved. In addition, this alteration is predicted to be tolerated by in silico analysis. Since supporting evidence is limited at this time, the clinical significance of this alteration remains unclear.

Labcorp Genetics (formerly Invitae), Labcorp
Classification: Uncertain significance for Ataxia-telangiectasia syndrome. Last evaluated: 2021-08-27. Review status: criteria provided, single submitter. Criteria: Invitae Variant Classification Sherloc (09022015). Collection method: clinical testing. Allele origin: germline.
Comment: This sequence change replaces isoleucine with valine at codon 249 of the ATM protein (p.Ile249Val). The isoleucine residue is weakly conserved and there is a small physicochemical difference between isoleucine and valine. This variant is not present in population databases (ExAC no frequency). This variant has not been reported in the literature in individuals affected with ATM-related conditions. ClinVar contains an entry for this variant (Variation ID: 407618). Algorithms developed to predict the effect of missense changes on protein structure and function (SIFT, PolyPhen-2, Align-GVGD) all suggest that this variant is likely to be tolerated. In summary, the available evidence is currently insufficient to determine the role of this variant in disease. Therefore, it has been classified as a Variant of Uncertain Significance.